The following is an entry in ClinVar:

NM_018180.3(DHX32):c.214A>G (p.Met72Val)

Gene: DHX32 (DEAH-box helicase 32 (putative); minus strand). Cytogenetic location: 10q26.2.
Variant type: single nucleotide variant.
Coding change: c.214A>G on transcript NM_018180.3 (MANE Select); coding-DNA position 214, A replaced by G.
Protein change: p.Met72Val; replaces methionine 72 with valine.
Molecular consequence: missense variant.
Genome position (GRCh38, 1-based): chr10:125,880,611, T>C on the plus strand (A>G on the coding strand, the complement: DHX32 is on the minus strand). VCF-style: chr10-125880611-T-C. GRCh37 (hg19) VCF-style: chr10-127569180-T-C.
Other names: short protein forms M72V.
Identifiers: ClinVar variation 2808733 (VCV002808733.3), dbSNP rs761872798, ClinGen allele CA378668333.
Genomic context (GRCh38, chr10:125,880,611, plus strand): 5'-TCTTACCACATTTAGCATCTCCTGAAACAATCACGATTTGATTTTGAAGCAGGTTCTCCA[T>C]AAAGGAGTATTTTTCTTTCCATATAGGAAGATCTTCTCTTTCTTTCAGAAGTTTATAATA-3'
Protein context (NP_060650.2, residues 62-82): LPIWKEKYSF[Met72Val]ENLLQNQIVI

ClinVar aggregate classification (germline): Uncertain significance (1 of 4 stars; one submission).

gnomAD v4.1: 3 of 1,614,142 alleles (0.00019%); highest among the groups gnomAD compares: East Asian, 0.0067%; no homozygotes.

Submission:

Labcorp Genetics (formerly Invitae), Labcorp
Classification: Uncertain significance. Last evaluated: 2023-10-04. Review status: criteria provided, single submitter. Criteria: Invitae Variant Classification Sherloc (09022015). Collection method: clinical testing. Allele origin: germline.
Comment: This sequence change replaces methionine, which is neutral and non-polar, with valine, which is neutral and non-polar, at codon 72 of the DHX32 protein (p.Met72Val). This variant is present in population databases (no rsID available, gnomAD 0.01%). This variant has not been reported in the literature in individuals affected with DHX32-related conditions. An algorithm developed to predict the effect of missense changes on protein structure and function (PolyPhen-2) suggests that this variant is likely to be tolerated. In summary, the available evidence is currently insufficient to determine the role of this variant in disease. Therefore, it has been classified as a Variant of Uncertain Significance.